The following is an entry in ClinVar:

ClinVar aggregate classification (germline): Uncertain significance. Review status: criteria provided, multiple submitters, no conflicts (2 of 4 stars). 2 submissions from 2 submitters: Uncertain significance (2). Last evaluated 2026-07-02.

Conditions:
Charcot-Marie-Tooth disease type 2. Also called: Charcot-Marie-Tooth type 2. Identifiers: Orphanet 64746, MedGen C0270914, MONDO:0018993.
Cardiovascular phenotype. Identifiers: MedGen CN230736.

Submissions (2):

Ambry Genetics
Classification: Uncertain significance for Cardiovascular phenotype. Last evaluated: 2026-07-02. Review status: criteria provided, single submitter. Criteria: Ambry Variant Classification Scheme 2023. Collection method: clinical testing. Allele origin: germline.
Comment: The p.S628N variant (also known as c.1883G>A), located in coding exon 11 of the LMNA gene, results from a G to A substitution at nucleotide position 1883. The serine at codon 628 is replaced by asparagine, an amino acid with highly similar properties. This amino acid position is conserved. In addition, the in silico prediction for this alteration is inconclusive. Based on the available evidence, the clinical significance of this variant remains unclear.

Labcorp Genetics (formerly Invitae), Labcorp
Classification: Uncertain significance for Charcot-Marie-Tooth disease type 2. Last evaluated: 2021-12-29. Review status: criteria provided, single submitter. Criteria: Invitae Variant Classification Sherloc (09022015). Collection method: clinical testing. Allele origin: germline.
Comment: Algorithms developed to predict the effect of missense changes on protein structure and function are either unavailable or do not agree on the potential impact of this missense change (SIFT: "Deleterious"; PolyPhen-2: "Benign"; Align-GVGD: "Class C0"). This sequence change replaces serine, which is neutral and polar, with asparagine, which is neutral and polar, at codon 628 of the LMNA protein (p.Ser628Asn). This variant is not present in population databases (gnomAD no frequency). This variant has not been reported in the literature in individuals affected with LMNA-related conditions. In summary, the available evidence is currently insufficient to determine the role of this variant in disease. Therefore, it has been classified as a Variant of Uncertain Significance.

NM_170707.4(LMNA):c.1883G>A (p.Ser628Asn)

Gene: LMNA (lamin A/C; plus strand). Cytogenetic location: 1q22.
Variant type: single nucleotide variant.
Coding change: c.1883G>A on transcript NM_170707.4 (MANE Select); coding-DNA position 1883, G replaced by A.
Protein change: p.Ser628Asn; replaces serine 628 with asparagine.
Molecular consequence: missense variant. On other transcripts: intron variant (1).
Genome position (GRCh38, 1-based): chr1:156,138,672, G>A. VCF-style: chr1-156138672-G-A. GRCh37 (hg19) VCF-style: chr1-156108463-G-A.
Other names: c.1547G>A, p.Ser516Asn (NM_001257374.3, NM_001406989.1); c.1883G>A, p.Ser628Asn (NM_001406983.1, NM_001406985.1, NM_001406991.1); c.1640G>A, p.Ser547Asn (NM_001406986.1, NM_001406987.1); c.1586G>A, p.Ser529Asn (NM_001406988.1); c.1325G>A, p.Ser442Asn (NM_001406990.1, NM_001406993.1, NM_001406995.1 and 2 more transcripts); c.1259G>A, p.Ser420Asn (NM_001406994.1, NM_001406999.1, NM_001407000.1 and 1 more transcripts); c.1793G>A, p.Ser598Asn (NM_170708.4); c.1818+65G>A (NM_001282626.2); short protein forms S516N, S547N, S598N, S420N, S442N, S529N, S628N.
Identifiers: ClinVar variation 2144247 (VCV002144247.5), dbSNP rs2528030206, ClinGen allele CA342827599.